The following is an entry in ClinVar:

ClinVar aggregate classification (germline): Likely pathogenic (1 of 4 stars; one submission).

Conditions:
Renal tubulopathies.

Submission:

Genetics Laboratory, Great Ormond Street Hospital NHS Foundation Trust, North Thames Genomic Laboratory Hub
Classification: Likely pathogenic for Renal tubulopathies. Last evaluated: 2025-10-23. Review status: criteria provided, single submitter. Criteria: ACGS Best Practice Guidelines for Variant Classification in Rare Disease 2024 v1.2. Collection method: clinical testing. Allele origin: germline. Affected: yes.
Comment: PM2_moderate, PVS1_strong

NM_001692.4(ATP6V1B1):c.68dup (p.Glu24fs)

Gene: ATP6V1B1 (ATPase H+ transporting V1 subunit B1; plus strand). Cytogenetic location: 2p13.3.
Variant type: Duplication.
Coding change: c.68dup on transcript NM_001692.4 (MANE Select); coding-DNA position 68, one base duplicated (G; older notation c.68dupG).
Protein change: p.Glu24fs; shifts the reading frame from glutamic acid 24.
Molecular consequence: frameshift variant.
Genome position (GRCh38, 1-based): chr2:70,936,022, G duplicated. VCF-style (leftmost placement, unchanged base first): chr2-70936021-C-CG. GRCh37 (hg19) VCF-style: chr2-71163151-C-CG.
Other names: short protein forms E24fs.
Identifiers: ClinVar variation 4538532 (VCV004538532.1).